The following is an entry in ClinVar:

NM_001367624.2(ZNF469):c.536G>C (p.Gly179Ala)

Gene: ZNF469 (zinc finger protein 469; plus strand). Cytogenetic location: 16q24.2.
Variant type: single nucleotide variant.
Coding change: c.536G>C on transcript NM_001367624.2 (MANE Select); coding-DNA position 536, G replaced by C.
Protein change: p.Gly179Ala; replaces glycine 179 with alanine.
Molecular consequence: missense variant.
Genome position (GRCh38, 1-based): chr16:88,428,006, G>C. VCF-style: chr16-88428006-G-C. GRCh37 (hg19) VCF-style: chr16-88494414-G-C.
Other names: NM_001127464.1:c.536G>C; short protein forms G179A.
Identifiers: ClinVar variation 423800 (VCV000423800.6), dbSNP rs760014906, ClinGen allele CA8224599.
Genomic context (GRCh38, chr16:88,428,006, plus strand): 5'-GAGCTCCACTCAGGCCGGGCCTCCCAAGGACTGAGGCCCAACCCGCCGCCGAAGAGCTTG[G>C]CTTCCACAGGTGCTTCCAGGAGCCACCCTCCAGCTTTACCTCCACCAACTATACCTCACC-3'
Protein context (NP_001354553.1, residues 169-189): TEAQPAAEEL[Gly179Ala]FHRCFQEPPS

ClinVar aggregate classification (germline): Uncertain significance. Review status: criteria provided, multiple submitters, no conflicts (2 of 4 stars). 3 submissions from 3 submitters: Uncertain significance (3). Last evaluated 2024-11-01.

Conditions:
Cardiovascular phenotype. Identifiers: MedGen CN230736.
Brittle cornea syndrome 1 (BCS1). Also called: CORNEAL FRAGILITY, KERATOGLOBUS, BLUE SCLERAE, JOINT HYPEREXTENSIBILITY; EDS6B; FRAGILITAS OCULI WITH JOINT HYPEREXTENSIBILITY; Corneal fragility keratoglobus, blue sclerae AND joint hypermobility; DYSGENESIS MESODERMALIS CORNEAE ET SCLERAE. Identifiers: Orphanet 90354, MedGen C0268344, MONDO:0024543, OMIM 229200.

Allele frequency attached by ClinVar (database versions not stated): ExAC below 0.00001; gnomAD 0.00003 and 0.00004; gnomAD exomes 0.00003; TOPMed 0.00004.
gnomAD v4.1: 45 of 1,549,830 alleles (0.0029%); highest among the groups gnomAD compares: Non-Finnish European, 0.0037%; no homozygotes.

Submissions (3):

Ambry Genetics
Classification: Uncertain significance for Cardiovascular phenotype. Last evaluated: 2024-11-01. Review status: criteria provided, single submitter. Criteria: Ambry Variant Classification Scheme 2023. Collection method: clinical testing. Allele origin: germline.
Comment: The p.G179A variant (also known as c.536G>C), located in coding exon 1 of the ZNF469 gene, results from a G to C substitution at nucleotide position 536. The glycine at codon 179 is replaced by alanine, an amino acid with similar properties. This amino acid position is poorly conserved in available vertebrate species. In addition, this alteration is predicted to be tolerated by in silico analysis. Since supporting evidence is limited at this time, the clinical significance of this alteration remains unclear.

GeneDx
Classification: Uncertain significance. Last evaluated: 2024-05-05. Review status: criteria provided, single submitter. Criteria: GeneDx Variant Classification Process June 2021. Collection method: clinical testing. Allele origin: germline. Affected: yes.
Comment: Has not been previously published as pathogenic or benign to our knowledge; Not observed at significant frequency in large population cohorts (gnomAD); In silico analysis indicates that this missense variant does not alter protein structure/function

Fulgent Genetics
Classification: Uncertain significance for Brittle cornea syndrome 1. Last evaluated: 2021-09-21. Review status: criteria provided, single submitter. Criteria: ACMG Guidelines, 2015. Collection method: clinical testing. Allele origin: unknown.